The following is an entry in ClinVar:

NM_001372.4(DNAH9):c.10460C>G (p.Thr3487Arg)

Genes: DNAH9 (dynein axonemal heavy chain 9; plus strand), LOC101928350 (uncharacterized LOC101928350; minus strand). Cytogenetic location: 17p12.
Variant type: single nucleotide variant.
Coding change: c.10460C>G on transcript NM_001372.4 (MANE Select); coding-DNA position 10460, C replaced by G.
Protein change: p.Thr3487Arg; replaces threonine 3487 with arginine.
Molecular consequence: missense variant.
Genome position (GRCh38, 1-based): chr17:11,875,166, C>G. VCF-style: chr17-11875166-C-G. GRCh37 (hg19) VCF-style: chr17-11778483-C-G.
Other names: short protein forms T3487R.
Identifiers: ClinVar variation 1439891 (VCV001439891.8), dbSNP rs145738103, ClinGen allele CA8397514.

ClinVar aggregate classification (germline): Uncertain significance. Review status: criteria provided, multiple submitters, no conflicts (2 of 4 stars). 2 submissions from 2 submitters: Uncertain significance (2). Last evaluated 2025-08-21.

Conditions:
Ciliary dyskinesia, primary, 40. Also called: CILIARY DYSKINESIA, PRIMARY, 40, WITH OR WITHOUT SITUS INVERSUS. Identifiers: MedGen C4749028, MONDO:0032664, OMIM 618300.

gnomAD v4.1: 37 of 1,612,004 alleles (0.0023%); highest among the groups gnomAD compares: African/African-American, 0.0081%; no homozygotes.

Submissions (2):

Labcorp Genetics (formerly Invitae), Labcorp
Classification: Uncertain significance. Last evaluated: 2025-08-21. Review status: criteria provided, single submitter. Criteria: Invitae Variant Classification Sherloc (09022015). Collection method: clinical testing. Allele origin: germline.
Comment: This sequence change replaces threonine, which is neutral and polar, with arginine, which is basic and polar, at codon 3487 of the DNAH9 protein (p.Thr3487Arg). This variant is present in population databases (rs145738103, gnomAD 0.004%). This missense change has been observed in individual(s) with clinical features of primary ciliary dyskinesia (internal data). ClinVar contains an entry for this variant (Variation ID: 1439891). Invitae Evidence Modeling of protein sequence and biophysical properties (such as structural, functional, and spatial information, amino acid conservation, physicochemical variation, residue mobility, and thermodynamic stability) indicates that this missense variant is expected to disrupt DNAH9 protein function with a positive predictive value of 80%. In summary, the available evidence is currently insufficient to determine the role of this variant in disease. Therefore, it has been classified as a Variant of Uncertain Significance.

Baylor Genetics
Classification: Uncertain significance for Ciliary dyskinesia, primary, 40. Last evaluated: 2022-12-26. Review status: criteria provided, single submitter. Criteria: ACMG Guidelines, 2015. Collection method: clinical testing. Allele origin: unknown.